The following is an entry in ClinVar:

NM_004933.3(CDH15):c.1265T>C (p.Leu422Pro)

Gene: CDH15 (cadherin 15; plus strand). Cytogenetic location: 16q24.3.
Variant type: single nucleotide variant.
Coding change: c.1265T>C on transcript NM_004933.3 (MANE Select); coding-DNA position 1265, T replaced by C.
Protein change: p.Leu422Pro; replaces leucine 422 with proline.
Molecular consequence: missense variant.
Genome position (GRCh38, 1-based): chr16:89,191,362, T>C. VCF-style: chr16-89191362-T-C. GRCh37 (hg19) VCF-style: chr16-89257770-T-C.
Other names: short protein forms L422P.
Identifiers: ClinVar variation 4851407 (VCV004851407.1).

ClinVar aggregate classification (germline): Uncertain significance (1 of 4 stars; one submission).

Conditions:
Intellectual developmental disorder, autosomal dominant 3. Also called: Intellectual disability, autosomal dominant 3. Identifiers: MedGen C2675488, MONDO:0012946, OMIM 612580.

Submission:

Institute of Immunology and Genetics Kaiserslautern
Classification: Uncertain significance for Intellectual developmental disorder, autosomal dominant 3. Last evaluated: 2022-12-02. Review status: criteria provided, single submitter. Criteria: ACMG Guidelines, 2015. Collection method: clinical testing. Allele origin: germline. Affected: yes.
Comment: ACMG Criteria: PM2, PP3; Variant was found in heterozygous state.